The following is an entry in ClinVar:

ClinVar aggregate classification (germline): Uncertain significance. Review status: criteria provided, multiple submitters, no conflicts (2 of 4 stars). 2 submissions from 2 submitters: Uncertain significance (2). Last evaluated 2024-02-26.

Conditions:
Inborn genetic diseases. Identifiers: MedGen C0950123, MeSH D030342.

Allele frequency attached by ClinVar (database versions not stated): gnomAD exomes below 0.00001; gnomAD 0.00001; TOPMed 0.00002; ExAC 0.00006.
gnomAD v4.1: 5 of 1,613,224 alleles (0.00031%); highest among the groups gnomAD compares: East Asian, 0.0067%; no homozygotes.

Submissions (2):

Ambry Genetics
Classification: Uncertain significance for Inborn genetic diseases. Last evaluated: 2024-02-26. Review status: criteria provided, single submitter. Criteria: Ambry Variant Classification Scheme 2023. Collection method: clinical testing. Allele origin: germline.

Labcorp Genetics (formerly Invitae), Labcorp
Classification: Uncertain significance. Last evaluated: 2023-08-17. Review status: criteria provided, single submitter. Criteria: Invitae Variant Classification Sherloc (09022015). Collection method: clinical testing. Allele origin: germline.
Comment: This sequence change replaces arginine, which is basic and polar, with glutamine, which is neutral and polar, at codon 213 of the IFT81 protein (p.Arg213Gln). This variant is present in population databases (rs767705291, gnomAD 0.05%). This variant has not been reported in the literature in individuals affected with IFT81-related conditions. ClinVar contains an entry for this variant (Variation ID: 1978335). Advanced modeling of protein sequence and biophysical properties (such as structural, functional, and spatial information, amino acid conservation, physicochemical variation, residue mobility, and thermodynamic stability) performed at Invitae indicates that this missense variant is expected to disrupt IFT81 protein function. In summary, the available evidence is currently insufficient to determine the role of this variant in disease. Therefore, it has been classified as a Variant of Uncertain Significance.

NM_014055.4(IFT81):c.638G>A (p.Arg213Gln)

Gene: IFT81 (intraflagellar transport 81; plus strand). Cytogenetic location: 12q24.11.
Variant type: single nucleotide variant.
Coding change: c.638G>A on transcript NM_014055.4 (MANE Select); coding-DNA position 638, G replaced by A.
Protein change: p.Arg213Gln; replaces arginine 213 with glutamine.
Molecular consequence: missense variant. On other transcripts: 5 prime UTR variant (2), non-coding transcript variant (4).
Genome position (GRCh38, 1-based): chr12:110,135,379, G>A. VCF-style: chr12-110135379-G-A. GRCh37 (hg19) VCF-style: chr12-110573184-G-A.
Other names: c.638G>A (NM_014055.3); c.638G>A, p.Arg213Gln (NM_001143779.2, NM_001347946.2, NM_031473.4); c.-129G>A (NM_001347947.2, NM_001347948.2); short protein forms R213Q.
Identifiers: ClinVar variation 1978335 (VCV001978335.5), dbSNP rs767705291, ClinGen allele CA6783141.